The following is an entry in ClinVar:

ClinVar aggregate classification (germline): Uncertain significance (1 of 4 stars; one submission).

Conditions:
FAT1-related disorder. Also called: FAT1-related condition.

Submission:

PreventionGenetics, part of Exact Sciences
Classification: Uncertain significance for FAT1-related condition. Last evaluated: 2023-07-18. Review status: criteria provided, single submitter. Criteria: ACMG Guidelines, 2015. Collection method: clinical testing. Allele origin: germline.
Comment: The FAT1 c.8658A>C variant is predicted to result in the amino acid substitution p.Lys2886Asn. To our knowledge, this variant has not been reported in the literature or in a large population database, indicating this variant is rare. At this time, the clinical significance of this variant is uncertain due to the absence of conclusive functional and genetic evidence.

NM_005245.4(FAT1):c.8658A>C (p.Lys2886Asn)

Genes: FAT1 (FAT atypical cadherin 1; minus strand), LOC126807255 (BRD4-independent group 4 enhancer GRCh37_chr4:187538202-187539401; plus strand). Cytogenetic location: 4q35.2.
Variant type: single nucleotide variant.
Coding change: c.8658A>C on transcript NM_005245.4 (MANE Select); coding-DNA position 8658, A replaced by C.
Protein change: p.Lys2886Asn; replaces lysine 2886 with asparagine.
Molecular consequence: missense variant.
Genome position (GRCh38, 1-based): chr4:186,617,928, T>G on the plus strand (A>C on the coding strand, the complement: FAT1 is on the minus strand). VCF-style: chr4-186617928-T-G. GRCh37 (hg19) VCF-style: chr4-187539082-T-G.
Other names: short protein forms K2886N.
Identifiers: ClinVar variation 2631421 (VCV002631421.1), dbSNP rs1247785132, ClinGen allele CA358960281.